The following is an entry in ClinVar:

NM_000536.4(RAG2):c.1335C>A (p.Tyr445Ter)

Gene: RAG2 (recombination activating 2; minus strand). Cytogenetic location: 11p12.
Variant type: single nucleotide variant.
Coding change: c.1335C>A on transcript NM_000536.4 (MANE Select); coding-DNA position 1335, C replaced by A.
Protein change: p.Tyr445Ter; replaces tyrosine 445 with a stop codon.
Molecular consequence: nonsense.
Genome position (GRCh38, 1-based): chr11:36,592,834, G>T on the plus strand (C>A on the coding strand, the complement: RAG2 is on the minus strand). VCF-style: chr11-36592834-G-T. GRCh37 (hg19) VCF-style: chr11-36614384-G-T.
Other names: c.1335C>A, p.Tyr445Ter (NM_001243785.2, NM_001243786.2); short protein forms Y445*.
Identifiers: ClinVar variation 4814337 (VCV004814337.1).

ClinVar aggregate classification (germline): Likely pathogenic (1 of 4 stars; one submission).

Conditions:
Histiocytic medullary reticulosis. Also called: SEVERE COMBINED IMMUNODEFICIENCY WITH HYPEREOSINOPHILIA; Omenn syndrome. Identifiers: Orphanet 39041, MedGen C2700553, MONDO:0011338, OMIM 603554.

gnomAD v4.1: 1 of 1,614,148 alleles (0.000062%); highest among the groups gnomAD compares: Non-Finnish European, 0.000085%; no homozygotes.

Submission:

Natera, Inc.
Classification: Likely pathogenic for Omenn syndrome. Last evaluated: 2024-10-14. Review status: criteria provided, single submitter. Criteria: Natera Variant Classification Schema (03/2026). Collection method: clinical testing. Allele origin: germline.
Comment: The c.1335C>A variant in RAG2 is a nonsense variant predicted to introduce a stop codon at amino acid 445. This variant is expected to result in nonsense mediated decay, truncation, or a dysfunctional protein product. This variant is rare in the general population with a frequency below the threshold expected for the associated phenotype(s). Given the available evidence, this variant is classified as Likely Pathogenic.